The following is an entry in ClinVar:

NM_001927.4(DES):c.1110GGA[2] (p.Glu373del)

Gene: DES (desmin; plus strand). Cytogenetic location: 2q35.
Variant type: Microsatellite.
Coding change: c.1110GGA[2] on transcript NM_001927.4 (MANE Select); two copies in a row of the 3-base unit GGA starting at c.1110; the reference has three copies in a row; one copy, 3 bases deleted; also written c.1116_1118del.
Protein change: p.Glu373del; deletes glutamic acid 373.
Molecular consequence: inframe deletion. On other transcripts: intron variant (1).
Genome position (GRCh38, 1-based): chr2:219,421,432-219,421,434, GGA deleted; deleting any 3 consecutive bases within chr2:219,421,426-219,421,434 gives the same sequence; the position shown is the placement nearest the transcript's 3' end. VCF-style (leftmost placement, unchanged base first): chr2-219421425-TGGA-T. GRCh37 (hg19) VCF-style: chr2-220286147-TGGA-T.
Other names: c.1116_1118del (NM_001927.4); c.1107GGA[2], p.Glu372del (NM_001382708.1); c.1041GGA[2], p.Glu350del (NM_001382710.1); c.1089GGA[2], p.Glu366del (NM_001382711.1); c.1110GGA[2], p.Glu373del (NM_001382712.1); c.840GGA[2], p.Glu283del (NM_001382713.1); c.736-58GGA[2] (NM_001382709.1); short protein forms E283del, E350del, E366del, E372del, E373del.
Identifiers: ClinVar variation 1051944 (VCV001051944.14), dbSNP rs2125168730, ClinGen allele CA2580616706.

ClinVar aggregate classification (germline): Uncertain significance. Review status: criteria provided, multiple submitters, no conflicts (2 of 4 stars). 6 submissions from 4 submitters: Uncertain significance (6). Last evaluated 2025-05-21.

Conditions:
Desmin-related myofibrillar myopathy (MFM1). Also called: MYOFIBRILLAR MYOPATHY WITH ARRHYTHMOGENIC RIGHT VENTRICULAR CARDIOMYOPATHY; DESMIN-RELATED MYOPATHY WITH ARRHYTHMOGENIC RIGHT VENTRICULAR CARDIOMYOPATHY; Myofibrillar myopathy 1; Desminopathy; Desmin related myopathy (former name); Desmin storage myopathy (former name). Identifiers: Orphanet 363543, Orphanet 98909, MedGen C1832370, MONDO:0011076, OMIM 601419.
Dilated cardiomyopathy 1I (CMD1I). Identifiers: Orphanet 154, MedGen C1858154, MONDO:0011482, OMIM 604765.
Neurogenic scapuloperoneal syndrome, Kaeser type (SCPNK). Also called: KAESER SYNDROME. Identifiers: Orphanet 85146, MedGen C1867005, MONDO:0008407, OMIM 181400.

Submissions (6):

Revvity Omics, Revvity
Classification: Uncertain significance. Last evaluated: 2025-05-21. Review status: criteria provided, single submitter. Criteria: ACMG Guidelines, 2015. Collection method: clinical testing. Allele origin: germline.

Labcorp Genetics (formerly Invitae), Labcorp
Classification: Uncertain significance for Desmin-related myofibrillar myopathy. Last evaluated: 2022-07-30. Review status: criteria provided, single submitter. Criteria: Invitae Variant Classification Sherloc (09022015). Collection method: clinical testing. Allele origin: germline.
Comment: In summary, the available evidence is currently insufficient to determine the role of this variant in disease. Therefore, it has been classified as a Variant of Uncertain Significance. Experimental studies and prediction algorithms are not available or were not evaluated, and the functional significance of this variant is currently unknown. This variant has not been reported in the literature in individuals affected with DES-related conditions. This variant is not present in population databases (gnomAD no frequency). This variant, c.1116_1118del, results in the deletion of 1 amino acid(s) of the DES protein (p.Glu373del), but otherwise preserves the integrity of the reading frame.

Baylor Genetics
Classification: Uncertain significance for Desmin-related myofibrillar myopathy. Last evaluated: 2022-05-06. Review status: criteria provided, single submitter. Criteria: ACMG Guidelines, 2015. Collection method: clinical testing. Allele origin: unknown.

Baylor Genetics
Classification: Uncertain significance for Dilated cardiomyopathy 1I. Last evaluated: 2022-05-06. Review status: criteria provided, single submitter. Criteria: ACMG Guidelines, 2015. Collection method: clinical testing. Allele origin: unknown.

Baylor Genetics
Classification: Uncertain significance for Neurogenic scapuloperoneal syndrome, Kaeser type. Last evaluated: 2022-05-06. Review status: criteria provided, single submitter. Criteria: ACMG Guidelines, 2015. Collection method: clinical testing. Allele origin: unknown.

3billion
Classification: Uncertain significance for Desmin-related myofibrillar myopathy. Review status: criteria provided, single submitter. Criteria: ACMG Guidelines, 2015. Collection method: clinical testing. Allele origin: unknown. Affected: yes. Observed: 1 heterozygote.
Comment: The variant is not observed in the gnomAD v2.1.1 dataset. Inframe deletion located in a nonrepeat region: predicted to change the length of the protein and disrupt normal protein function. Therefore, this variant is classified as Uncertain significance according to the recommendation of ACMG/AMP guideline.